The following is an entry in ClinVar:

NM_194454.3(KRIT1):c.2136A>G (p.Thr712=)

Gene: KRIT1 (KRIT1 ankyrin repeat containing; minus strand). Cytogenetic location: 7q21.2.
Variant type: single nucleotide variant.
Coding change: c.2136A>G on transcript NM_194454.3 (MANE Select); coding-DNA position 2136, A replaced by G.
Protein change: p.Thr712=; no amino-acid change (threonine 712 retained).
Molecular consequence: synonymous variant.
Genome position (GRCh38, 1-based): chr7:92,201,313, T>C on the plus strand (A>G on the coding strand, the complement: KRIT1 is on the minus strand). VCF-style: chr7-92201313-T-C. GRCh37 (hg19) VCF-style: chr7-91830627-T-C.
Other names: c.1992A>G, p.Thr664= (NM_001013406.2, NM_001350669.1, NM_001350670.1); c.1422A>G, p.Thr474= (NM_001350671.1); c.2136A>G, p.Thr712= (NM_001350672.1, NM_001350673.1, NM_001350674.1 and 26 more transcripts).
Identifiers: ClinVar variation 507128 (VCV000507128.1), dbSNP rs745397726, ClinGen allele CA4338949.

ClinVar aggregate classification (germline): Likely benign (1 of 4 stars; one submission).

Allele frequency attached by ClinVar (database versions not stated): ExAC 0.00001; gnomAD exomes 0.00001.

Submission:

GeneDx
Classification: Likely benign. Last evaluated: 2017-11-30. Review status: criteria provided, single submitter. Criteria: GeneDx Variant Classification (06012015). Collection method: clinical testing. Allele origin: germline. Affected: yes.
Comment: This variant is considered likely benign or benign based on one or more of the following criteria: it is a conservative change, it occurs at a poorly conserved position in the protein, it is predicted to be benign by multiple in silico algorithms, and/or has population frequency not consistent with disease.